The following is an entry in ClinVar:

ClinVar aggregate classification (germline): Pathogenic (1 of 4 stars; one submission).

Conditions:
Inborn genetic diseases. Identifiers: MedGen C0950123, MeSH D030342.

Submission:

Ambry Genetics
Classification: Pathogenic for Inborn genetic diseases. Last evaluated: 2021-02-19. Review status: criteria provided, single submitter. Criteria: Ambry Variant Classification Scheme 2023. Collection method: clinical testing. Allele origin: germline.
Comment: The c.574_592dup19 (p.G198Afs*135) alteration, located in exon 8 (coding exon 8) of the PDE2A gene, consists of a duplication of 19 nucleotides at position 574 to 592, causing a translational frameshift with a predicted alternate stop codon after 135 amino acids. This alteration is expected to result in loss of function by premature protein truncation or nonsense-mediated mRNA decay. Based on the available evidence, this alteration is classified as pathogenic.

NM_002599.5(PDE2A):c.574_592dup (p.Gly198fs)

Gene: PDE2A (phosphodiesterase 2A; minus strand). Cytogenetic location: 11q13.4.
Variant type: Duplication.
Coding change: c.574_592dup on transcript NM_002599.5 (MANE Select); coding-DNA positions 574 to 592, 19 bases duplicated (CAGGTCCTGCAGCAGCGCG).
Protein change: p.Gly198fs; shifts the reading frame from glycine 198.
Molecular consequence: frameshift variant.
Genome position (GRCh38, 1-based): chr11:72,590,538-72,590,556, CGCGCTGCTGCAGGACCTG duplicated on the plus strand (CAGGTCCTGCAGCAGCGCG on the coding strand, the reverse complement: PDE2A is on the minus strand); duplicating any 19 consecutive bases within chr11:72,590,538-72,590,557 gives the same sequence; the c. name uses the placement nearest the transcript's 3' end. VCF-style (leftmost placement, unchanged base first): chr11-72590537-C-CCGCGCTGCTGCAGGACCTG. GRCh37 (hg19) VCF-style: chr11-72301581-C-CCGCGCTGCTGCAGGACCTG.
Other names: c.553_571dup, p.Gly191fs (NM_001143839.4); c.547_565dup, p.Gly189fs (NM_001146209.3); c.511_529dup, p.Gly177fs (NM_001243784.2); short protein forms G191fs, G189fs, G177fs, G198fs.
Identifiers: ClinVar variation 2217721 (VCV002217721.2), dbSNP rs2496345542, ClinGen allele CA2580084867.